The following is an entry in ClinVar:

ClinVar aggregate classification (germline): Uncertain significance (1 of 4 stars; one submission).

Conditions:
Early Myoclonic Encephalopathy. Identifiers: MedGen C0270855.

Allele frequency attached by ClinVar (database versions not stated): gnomAD exomes below 0.00001.
gnomAD v4.1: 1 of 1,613,582 alleles (0.000062%); highest among the groups gnomAD compares: Non-Finnish European, 0.000085%; no homozygotes.

Submission:

Labcorp Genetics (formerly Invitae), Labcorp
Classification: Uncertain significance for Early Myoclonic Encephalopathy. Last evaluated: 2022-09-08. Review status: criteria provided, single submitter. Criteria: Invitae Variant Classification Sherloc (09022015). Collection method: clinical testing. Allele origin: germline.
Comment: In summary, the available evidence is currently insufficient to determine the role of this variant in disease. Therefore, it has been classified as a Variant of Uncertain Significance. Algorithms developed to predict the effect of missense changes on protein structure and function are either unavailable or do not agree on the potential impact of this missense change (SIFT: "Deleterious"; PolyPhen-2: "Probably Damaging"; Align-GVGD: "Class C0"). This variant has not been reported in the literature in individuals affected with JMJD1C-related conditions. This variant is not present in population databases (gnomAD no frequency). This sequence change replaces arginine, which is basic and polar, with glycine, which is neutral and non-polar, at codon 1641 of the JMJD1C protein (p.Arg1641Gly).

NM_032776.3(JMJD1C):c.4921A>G (p.Arg1641Gly)

Gene: JMJD1C (jumonji domain containing 1C; minus strand). Cytogenetic location: 10q21.3.
Variant type: single nucleotide variant.
Coding change: c.4921A>G on transcript NM_032776.3 (MANE Select); coding-DNA position 4921, A replaced by G.
Protein change: p.Arg1641Gly; replaces arginine 1641 with glycine.
Molecular consequence: missense variant. On other transcripts: non-coding transcript variant (1).
Genome position (GRCh38, 1-based): chr10:63,206,748, T>C on the plus strand (A>G on the coding strand, the complement: JMJD1C is on the minus strand). VCF-style: chr10-63206748-T-C. GRCh37 (hg19) VCF-style: chr10-64966508-T-C.
Other names: c.4375A>G, p.Arg1459Gly (NM_001282948.2, NM_001318154.2); c.4057A>G, p.Arg1353Gly (NM_001318153.2); c.4807A>G, p.Arg1603Gly (NM_001322252.2); c.4264A>G, p.Arg1422Gly (NM_001322254.2, NM_001322258.2); short protein forms R1353G, R1422G, R1459G, R1603G, R1641G.
Identifiers: ClinVar variation 1717911 (VCV001717911.5), dbSNP rs2492663285, ClinGen allele CA377035884.